The following is an entry in ClinVar:

NM_006892.4(DNMT3B):c.2416G>A (p.Glu806Lys)

Gene: DNMT3B (DNA methyltransferase 3 beta; plus strand). Cytogenetic location: 20q11.21.
Variant type: single nucleotide variant.
Coding change: c.2416G>A on transcript NM_006892.4 (MANE Select); coding-DNA position 2416, G replaced by A.
Protein change: p.Glu806Lys; replaces glutamic acid 806 with lysine.
Molecular consequence: missense variant. On other transcripts: intron variant (11).
Genome position (GRCh38, 1-based): chr20:32,806,323, G>A. VCF-style: chr20-32806323-G-A. GRCh37 (hg19) VCF-style: chr20-31394129-G-A.
Other names: c.2290G>A, p.Glu764Lys (NM_001424352.1); c.2230G>A, p.Glu744Lys (NM_001424354.1); c.2356G>A, p.Glu786Lys (NM_175848.2); c.2392G>A, p.Glu798Lys (NM_175850.3); c.2301+916G>A (NM_001424351.1); c.2232-1439G>A (NM_001424355.1); c.2241+916G>A (NM_001424353.1); c.2172-1439G>A (NM_175849.2); and 7 more; short protein forms E744K, E764K, E786K, E798K, E806K.
Identifiers: ClinVar variation 3769367 (VCV003769367.2).

ClinVar aggregate classification (germline): Uncertain significance (1 of 4 stars; one submission).

gnomAD v4.1: 3 of 1,614,164 alleles (0.00019%); highest among the groups gnomAD compares: Non-Finnish European, 0.00025%; no homozygotes.

Submission:

Women's Health and Genetics/Laboratory Corporation of America, LabCorp
Classification: Uncertain significance. Last evaluated: 2025-01-28. Review status: criteria provided, single submitter. Criteria: LabCorp Variant Classification Summary - May 2015. Collection method: clinical testing. Allele origin: germline.
Comment: Variant summary: DNMT3B c.2416G>A (p.Glu806Lys) results in a conservative amino acid change located in the C-5 cytosine-specific DNA methylase (Dnmt) domain profile (IPR001525) of the encoded protein sequence. Four of five in-silico tools predict a damaging effect of the variant on protein function. The variant was absent in 251454 control chromosomes. The available data on variant occurrences in the general population are insufficient to allow any conclusion about variant significance. To our knowledge, no occurrence of c.2416G>A in individuals affected with DNMT3B-related conditions and no experimental evidence demonstrating its impact on protein function have been reported. The following publication has been ascertained in the context of this evaluation (PMID: 36790564). No submitters have cited clinical-significance assessments for this variant to ClinVar. Based on the evidence outlined above, the variant was classified as uncertain significance.

Literature cited by the submitters: PubMed 36790564.